The following is an entry in ClinVar:

NM_000038.6(APC):c.1483A>G (p.Ile495Val)

Gene: APC (APC regulator of Wnt signaling pathway; plus strand). Cytogenetic location: 5q22.2.
Variant type: single nucleotide variant.
Coding change: c.1483A>G on transcript NM_000038.6 (MANE Select); coding-DNA position 1483, A replaced by G.
Protein change: p.Ile495Val; replaces isoleucine 495 with valine.
Molecular consequence: missense variant.
Genome position (GRCh38, 1-based): chr5:112,827,182, A>G. VCF-style: chr5-112827182-A-G. GRCh37 (hg19) VCF-style: chr5-112162879-A-G.
Other names: c.1483A>G, p.Ile495Val (NM_001127510.3, NM_001354895.2); c.1429A>G, p.Ile477Val (NM_001127511.3); c.1537A>G, p.Ile513Val (NM_001354896.2); c.1513A>G, p.Ile505Val (NM_001354897.2); c.1408A>G, p.Ile470Val (NM_001354898.2); c.1399A>G, p.Ile467Val (NM_001354899.2); c.1360A>G, p.Ile454Val (NM_001354900.2); c.1306A>G, p.Ile436Val (NM_001354901.2); and 5 more; short protein forms I477V, I495V, I212V, I470V, I513V, I335V, I369V, I404V.
Identifiers: ClinVar variation 236560 (VCV000236560.60), dbSNP rs372047677, ClinGen allele CA027893.

ClinVar aggregate classification (germline): Conflicting classifications of pathogenicity. Review status: criteria provided, conflicting classifications (1 of 4 stars). 6 submissions from 6 submitters: Uncertain significance (5); Likely benign (1). Last evaluated 2026-05-06.

Conditions:
Classic or attenuated familial adenomatous polyposis. Identifiers: MedGen CN372698, MONDO:0021057.
APC-related disorder. Also called: APC-related condition.
Hereditary cancer-predisposing syndrome. Also called: Neoplastic Syndromes, Hereditary; Hereditary neoplastic syndrome; Hereditary Cancer Syndrome; Tumor predisposition. Identifiers: Orphanet 140162, MedGen C0027672, MeSH D009386, MONDO:0015356.
Familial adenomatous polyposis 1 (FAP1). Also called: POLYPOSIS, ADENOMATOUS INTESTINAL; FAMILIAL ADENOMATOUS POLYPOSIS 1, ATTENUATED. Identifiers: MedGen C2713442, MONDO:0021056, OMIM 175100. Disease mechanism: loss of function.

Allele frequency attached by ClinVar (database versions not stated): gnomAD 0.00001; gnomAD exomes 0.00001 and 0.00002; TOPMed 0.00001; ExAC 0.00003; ESP Exome Variant Server 0.00008.
gnomAD v4.1: 9 of 1,613,832 alleles (0.00056%); highest among the groups gnomAD compares: South Asian, 0.0055%; no homozygotes.

Submissions (6):

PreventionGenetics, part of Exact Sciences
Classification: Uncertain significance for APC-related condition. Last evaluated: 2026-05-06. Review status: criteria provided, single submitter. Criteria: ACMG Guidelines, 2015. Collection method: clinical testing. Allele origin: germline.
Comment: The APC c.1483A>G variant is predicted to result in the amino acid substitution p.Ile495Val. To our knowledge, this variant has not been reported in the literature. This variant is reported in 0.012% of alleles in individuals of African descent in gnomAD and This variant has conflicting interpretations ranging from uncertain significance to likely benign in ClinVar (Variation ID: 236560). At this time, the clinical significance of this variant is uncertain due to the absence of conclusive functional and genetic evidence.

Labcorp Genetics (formerly Invitae), Labcorp
Classification: Uncertain significance for Familial adenomatous polyposis 1. Last evaluated: 2026-01-26. Review status: criteria provided, single submitter. Criteria: Invitae Variant Classification Sherloc (09022015). Collection method: clinical testing. Allele origin: germline.
Comment: This sequence change replaces isoleucine, which is neutral and non-polar, with valine, which is neutral and non-polar, at codon 495 of the APC protein (p.Ile495Val). This variant is present in population databases (rs372047677, gnomAD 0.01%). This variant has not been reported in the literature in individuals affected with APC-related conditions. ClinVar contains an entry for this variant (Variation ID: 236560). Invitae Evidence Modeling of protein sequence and biophysical properties (such as structural, functional, and spatial information, amino acid conservation, physicochemical variation, residue mobility, and thermodynamic stability) indicates that this missense variant is not expected to disrupt APC protein function with a negative predictive value of 95%. In summary, the available evidence is currently insufficient to determine the role of this variant in disease. Therefore, it has been classified as a Variant of Uncertain Significance.

All of Us Research Program, National Institutes of Health
Classification: Uncertain significance for Classic or attenuated familial adenomatous polyposis. Last evaluated: 2024-09-23. Review status: criteria provided, single submitter. Criteria: ACMG Guidelines, 2015. Collection method: clinical testing. Allele origin: germline. Inheritance: Autosomal dominant inheritance. Observed: 8 variant alleles, 8 heterozygotes.
Comment: This missense variant replaces isoleucine with valine at codon 495 of the APC protein. Computational prediction suggests that this variant may not impact protein structure and function (internally defined REVEL score threshold <= 0.5, PMID: 27666373). To our knowledge, functional studies have not been reported for this variant. This variant has not been reported in individuals affected with hereditary cancer in the literature. This variant has been identified in 4/251260 chromosomes in the general population by the Genome Aggregation Database (gnomAD). The available evidence is insufficient to determine the role of this variant in disease conclusively. Therefore, this variant is classified as a Variant of Uncertain Significance.

This study involves interpretation of variants in research participants for the purpose of population health screening. Participant phenotype was not available at the time of variant classification. Additional details can be found in publication PMID: 35346344, PMCID: PMC8962531

Ambry Genetics
Classification: Likely benign for Hereditary cancer-predisposing syndrome. Last evaluated: 2024-06-13. Review status: criteria provided, single submitter. Criteria: Ambry Variant Classification Scheme 2023. Collection method: clinical testing. Allele origin: germline.

Color Diagnostics, LLC DBA Color Health
Classification: Uncertain significance for Hereditary cancer-predisposing syndrome. Last evaluated: 2024-01-29. Review status: criteria provided, single submitter. Criteria: ACMG Guidelines, 2015. Collection method: clinical testing. Allele origin: germline.
Comment: This missense variant replaces isoleucine with valine at codon 495 of the APC protein. Computational prediction suggests that this variant may not impact protein structure and function (internally defined REVEL score threshold <= 0.5, PMID: 27666373). To our knowledge, functional studies have not been reported for this variant. This variant has not been reported in individuals affected with APC-related disorders in the literature. This variant has been identified in 4/251260 chromosomes in the general population by the Genome Aggregation Database (gnomAD). The available evidence is insufficient to determine the role of this variant in disease conclusively. Therefore, this variant is classified as a Variant of Uncertain Significance.

Women's Health and Genetics/Laboratory Corporation of America, LabCorp
Classification: Uncertain significance. Last evaluated: 2023-01-19. Review status: criteria provided, single submitter. Criteria: LabCorp Variant Classification Summary - May 2015. Collection method: clinical testing. Allele origin: germline.